The following is an entry in ClinVar:

NM_025009.5(CEP135):c.1360C>G (p.Arg454Gly)

Gene: CEP135 (centrosomal protein 135; plus strand). Cytogenetic location: 4q12.
Variant type: single nucleotide variant.
Coding change: c.1360C>G on transcript NM_025009.5 (MANE Select); coding-DNA position 1360, C replaced by G.
Protein change: p.Arg454Gly; replaces arginine 454 with glycine.
Molecular consequence: missense variant.
Genome position (GRCh38, 1-based): chr4:55,974,856, C>G. VCF-style: chr4-55974856-C-G. GRCh37 (hg19) VCF-style: chr4-56841022-C-G.
Other names: c.1360C>G (NM_025009.3, NM_025009.4); short protein forms R454G.
Identifiers: ClinVar variation 1206293 (VCV001206293.7), dbSNP rs76055256, ClinGen allele CA2927844.

ClinVar aggregate classification (germline): Uncertain significance. Review status: criteria provided, multiple submitters, no conflicts (2 of 4 stars). 5 submissions from 5 submitters: Uncertain significance (3). 2 of the submissions do not count toward it. Last evaluated 2026-03-16.

Conditions:
Inborn genetic diseases. Identifiers: MedGen C0950123, MeSH D030342.

Allele frequency attached by ClinVar (database versions not stated): ESP Exome Variant Server 0.00077; 1000 Genomes Project 0.00080.
gnomAD v4.1: 1,325 of 1,613,640 alleles (0.082%); highest among the groups gnomAD compares: Non-Finnish European, 0.11%; 2 homozygotes.

Submissions (5):

GeneDx
Classification: Uncertain significance. Last evaluated: 2026-03-16. Review status: criteria provided, single submitter. Criteria: GeneDx Variant Classification Process June 2021. Collection method: clinical testing. Allele origin: germline.
Comment: In silico analysis supports that this missense variant has a deleterious effect on protein structure/function; Has not been previously published as pathogenic or benign to our knowledge

Labcorp Genetics (formerly Invitae), Labcorp
Classification: Uncertain significance. Last evaluated: 2022-08-15. Review status: criteria provided, single submitter. Criteria: Invitae Variant Classification Sherloc (09022015). Collection method: clinical testing. Allele origin: germline.
Comment: This sequence change replaces arginine, which is basic and polar, with glycine, which is neutral and non-polar, at codon 454 of the CEP135 protein (p.Arg454Gly). This variant is present in population databases (rs76055256, gnomAD 0.1%), and has an allele count higher than expected for a pathogenic variant. This variant has not been reported in the literature in individuals affected with CEP135-related conditions. ClinVar contains an entry for this variant (Variation ID: 1206293). Algorithms developed to predict the effect of missense changes on protein structure and function (SIFT, PolyPhen-2, Align-GVGD) all suggest that this variant is likely to be disruptive. In summary, the available evidence is currently insufficient to determine the role of this variant in disease. Therefore, it has been classified as a Variant of Uncertain Significance.

Ambry Genetics
Classification: Uncertain significance for Inborn genetic diseases. Last evaluated: 2021-06-22. Review status: criteria provided, single submitter. Criteria: Ambry Variant Classification Scheme 2023. Collection method: clinical testing. Allele origin: germline.

Clinical Genetics DNA and cytogenetics Diagnostics Lab, Erasmus MC, Erasmus Medical Center
Classification: Uncertain significance. Review status: no assertion criteria provided. Collection method: clinical testing. Allele origin: germline. Affected: yes. Study: VKGL Data-share Consensus. Not counted in ClinVar's aggregate classification.

Laboratory of Diagnostic Genome Analysis, Leiden University Medical Center (LUMC)
Classification: Uncertain significance. Review status: no assertion criteria provided. Collection method: clinical testing. Allele origin: germline. Affected: yes. Study: VKGL Data-share Consensus. Not counted in ClinVar's aggregate classification.